The following is an entry in ClinVar:

ClinVar aggregate classification (germline): Uncertain significance (1 of 4 stars; one submission).

Allele frequency attached by ClinVar (database versions not stated): gnomAD 0.00001; TOPMed 0.00001.
gnomAD v4.1: 1 of 1,611,556 alleles (0.000062%); highest among the groups gnomAD compares: Non-Finnish European, 0.000085%; no homozygotes.

Submission:

GeneDx
Classification: Uncertain significance. Last evaluated: 2022-03-07. Review status: criteria provided, single submitter. Criteria: GeneDx Variant Classification Process June 2021. Collection method: clinical testing. Allele origin: germline. Affected: yes.
Comment: Not observed at significant frequency in large population cohorts (gnomAD); In silico analysis supports that this missense variant does not alter protein structure/function; Has not been previously published as pathogenic or benign to our knowledge

NM_003036.4(SKI):c.712A>G (p.Ser238Gly)

Gene: SKI (SKI proto-oncogene; plus strand). Cytogenetic location: 1p36.33.
Variant type: single nucleotide variant.
Coding change: c.712A>G on transcript NM_003036.4 (MANE Select); coding-DNA position 712, A replaced by G.
Protein change: p.Ser238Gly; replaces serine 238 with glycine.
Molecular consequence: missense variant.
Genome position (GRCh38, 1-based): chr1:2,229,478, A>G. VCF-style: chr1-2229478-A-G. GRCh37 (hg19) VCF-style: chr1-2160917-A-G.
Other names: short protein forms S238G.
Identifiers: ClinVar variation 1704870 (VCV001704870.2), dbSNP rs1457134961, ClinGen allele CA337954827.